The following is an entry in ClinVar:

NM_015046.7(SETX):c.5159G>C (p.Gly1720Ala)

Gene: SETX (senataxin; minus strand). Cytogenetic location: 9q34.13.
Variant type: single nucleotide variant.
Coding change: c.5159G>C on transcript NM_015046.7 (MANE Select); coding-DNA position 5159, G replaced by C.
Protein change: p.Gly1720Ala; replaces glycine 1720 with alanine.
Molecular consequence: missense variant.
Genome position (GRCh38, 1-based): chr9:132,326,439, C>G on the plus strand (G>C on the coding strand, the complement: SETX is on the minus strand). VCF-style: chr9-132326439-C-G. GRCh37 (hg19) VCF-style: chr9-135201826-C-G.
Other names: c.5159G>C, p.Gly1720Ala (NM_001351527.2, NM_001351528.2); short protein forms G1720A.
Identifiers: ClinVar variation 2119682 (VCV002119682.4), dbSNP rs2131425644, ClinGen allele CA375321860.
Genomic context (GRCh38, chr9:132,326,439, plus strand): 5'-TAATTGTGAAATCTGACAGGCACAGGTCTTGAGATGGACTGACAAAGACTTGCAGGGGGC[C>G]CACACTGACCAAAGTTCAAAAACATTTCATATTTCCATTTTAAGACCTCTTTAACGAAGG-3'
Protein context (NP_055861.3, residues 1710-1730): YEMFLNFGQC[Gly1720Ala]PPASLCQSIS

ClinVar aggregate classification (germline): Uncertain significance (1 of 4 stars; one submission).

Conditions:
Amyotrophic lateral sclerosis type 4 (ALS4). Also called: NEURONOPATHY, DISTAL HEREDITARY MOTOR, WITH PYRAMIDAL FEATURES; AMYOTROPHIC LATERAL SCLEROSIS 4, JUVENILE. Identifiers: Orphanet 357043, MedGen C1865409, MONDO:0011223, OMIM 602433.
Spinocerebellar ataxia, autosomal recessive, with axonal neuropathy 2 (SCAN2). Also called: ATAXIA-OCULOMOTOR APRAXIA 2; Ataxia-ocular apraxia-2; Ataxia with Oculomotor Apraxia Type 2; Ataxia with Oculomotor Apraxia. Identifiers: Orphanet 64753, MedGen C1853761, MONDO:0018996, OMIM 606002.

Allele frequency attached by ClinVar (database versions not stated): gnomAD exomes below 0.00001.
gnomAD v4.1: 1 of 1,614,080 alleles (0.000062%); highest among the groups gnomAD compares: South Asian, 0.0011%; no homozygotes.

Submission:

Labcorp Genetics (formerly Invitae), Labcorp
Classification: Uncertain significance for Amyotrophic lateral sclerosis type 4; Spinocerebellar ataxia, autosomal recessive, with axonal neuropathy 2. Last evaluated: 2022-10-13. Review status: criteria provided, single submitter. Criteria: Invitae Variant Classification Sherloc (09022015). Collection method: clinical testing. Allele origin: germline.
Comment: Advanced modeling of protein sequence and biophysical properties (such as structural, functional, and spatial information, amino acid conservation, physicochemical variation, residue mobility, and thermodynamic stability) has been performed at Invitae for this missense variant, however the output from this modeling did not meet the statistical confidence thresholds required to predict the impact of this variant on SETX protein function. This variant has not been reported in the literature in individuals affected with SETX-related conditions. This variant is not present in population databases (gnomAD no frequency). This sequence change replaces glycine, which is neutral and non-polar, with alanine, which is neutral and non-polar, at codon 1720 of the SETX protein (p.Gly1720Ala). In summary, the available evidence is currently insufficient to determine the role of this variant in disease. Therefore, it has been classified as a Variant of Uncertain Significance.